The following is an entry in ClinVar:

ClinVar aggregate classification (germline): Conflicting classifications of pathogenicity. Review status: criteria provided, conflicting classifications (1 of 4 stars). 4 submissions from 4 submitters: Uncertain significance (1); Likely benign (3). Last evaluated 2026-02-01.

Conditions:
Batten-Turner congenital myopathy. Also called: Congenital myotonia; Myotonia congenita. Identifiers: Orphanet 206973, MedGen C0027127, MONDO:0100468, OMIM 255300.
Congenital myotonia, autosomal dominant form (THD). Also called: THOMSEN DISEASE; Myotonia congenita autosomal dominant. Identifiers: Orphanet 614, MedGen C2936781, MONDO:0008055, OMIM 160800.
Congenital myotonia, autosomal recessive form. Also called: BECKER DISEASE; myotonia congenita, autosomal recessive; Becker Generalized Myotonia. Identifiers: Orphanet 614, MedGen C0751360, MONDO:0009715, OMIM 255700.

Allele frequency attached by ClinVar (database versions not stated): TOPMed 0.00001; gnomAD 0.00003; 1000 Genomes Project 30x 0.00031.
gnomAD v4.1: 58 of 1,612,178 alleles (0.0036%); highest among the groups gnomAD compares: South Asian, 0.051%; no homozygotes.

Submissions (4):

Labcorp Genetics (formerly Invitae), Labcorp
Classification: Likely benign for Congenital myotonia, autosomal recessive form; Congenital myotonia, autosomal dominant form. Last evaluated: 2026-02-01. Review status: criteria provided, single submitter. Criteria: Invitae Variant Classification Sherloc (09022015). Collection method: clinical testing. Allele origin: germline.

Blueprint Genetics
Classification: Likely benign. Last evaluated: 2023-06-28. Review status: criteria provided, single submitter. Criteria: ACMG Guidelines, 2015. Collection method: clinical testing. Allele origin: germline.

GeneDx
Classification: Uncertain significance. Last evaluated: 2023-02-10. Review status: criteria provided, single submitter. Criteria: GeneDx Variant Classification Process June 2021. Collection method: clinical testing. Allele origin: germline. Affected: yes.
Comment: In silico analysis is inconclusive as to whether the variant alters gene splicing. In the absence of RNA/functional studies, the actual effect of this sequence change is unknown.; Has not been previously published as pathogenic or benign to our knowledge; This variant is associated with the following publications: (PMID: 32579932)

Illumina Laboratory Services, Illumina
Classification: Likely benign for Myotonia congenita. Last evaluated: 2018-01-13. Review status: criteria provided, single submitter. Criteria: ICSL Variant Classification Criteria 13 December 2019. Collection method: clinical testing. Allele origin: germline.
Comment: This variant was observed in the ICSL laboratory as part of a predisposition screen in an ostensibly healthy population. It had not been previously curated by ICSL or reported in the Human Gene Mutation Database (HGMD: prior to June 1st, 2018), and was therefore a candidate for classification through an automated scoring system. Utilizing variant allele frequency, disease prevalence and penetrance estimates, and inheritance mode, an automated score was calculated to assess if this variant is too frequent to cause the disease. Based on the score and internal cut-off values, a variant classified as likely benign is not then subjected to further curation. The score for this variant resulted in a classification of likely benign for this disease.

NM_000083.3(CLCN1):c.705C>T (p.Phe235=)

Gene: CLCN1 (chloride voltage-gated channel 1; plus strand). Cytogenetic location: 7q34.
Variant type: single nucleotide variant.
Coding change: c.705C>T on transcript NM_000083.3 (MANE Select); coding-DNA position 705, C replaced by T.
Protein change: p.Phe235=; no amino-acid change (phenylalanine 235 retained).
Molecular consequence: synonymous variant. On other transcripts: non-coding transcript variant (1).
Genome position (GRCh38, 1-based): chr7:143,323,317, C>T. VCF-style: chr7-143323317-C-T. GRCh37 (hg19) VCF-style: chr7-143020410-C-T.
Identifiers: ClinVar variation 761759 (VCV000761759.14), dbSNP rs760323048, ClinGen allele CA4537056.